The following is an entry in ClinVar:

NM_004360.5(CDH1):c.1629C>T (p.Ser543=)

Gene: CDH1 (cadherin 1; plus strand). Cytogenetic location: 16q22.1.
Variant type: single nucleotide variant.
Coding change: c.1629C>T on transcript NM_004360.5 (MANE Select); coding-DNA position 1629, C replaced by T.
Protein change: p.Ser543=; no amino-acid change (serine 543 retained).
Molecular consequence: synonymous variant. On other transcripts: intron variant (1).
Genome position (GRCh38, 1-based): chr16:68,819,343, C>T. VCF-style: chr16-68819343-C-T. GRCh37 (hg19) VCF-style: chr16-68853246-C-T.
Other names: c.1446C>T, p.Ser482= (NM_001317184.2); c.81C>T, p.Ser27= (NM_001317185.2); c.-254-2658C>T (NM_001317186.2).
Identifiers: ClinVar variation 681315 (VCV000681315.11), dbSNP rs1596960459, ClinGen allele CA496154369.
Genomic context (GRCh38, chr16:68,819,343, plus strand): 5'-TCGGATTTGGAGAGACACTGCCAACTGGCTGGAGATTAATCCGGACACTGGTGCCATTTC[C>T]ACTCGGGCTGAGCTGGACAGGGAGGATTTTGAGCACGTGAAGAACAGCACGTACACAGCC-3'
Protein context (NP_004351.1, residues 533-553): LEINPDTGAI[Ser543=]TRAELDREDF

ClinVar aggregate classification (germline): Benign/Likely benign. Review status: criteria provided, multiple submitters, no conflicts (2 of 4 stars). 4 submissions from 4 submitters: Benign (1); Likely benign (3). Last evaluated 2024-09-19.

Conditions:
Hereditary cancer-predisposing syndrome. Also called: Neoplastic Syndromes, Hereditary; Tumor predisposition; Hereditary neoplastic syndrome; Hereditary Cancer Syndrome. Identifiers: Orphanet 140162, MedGen C0027672, MeSH D009386, MONDO:0015356.
Hereditary diffuse gastric adenocarcinoma (HDGC). Also called: DIFFUSE GASTRIC AND LOBULAR BREAST CANCER SYNDROME. Identifiers: Orphanet 26106, MedGen C1708349, MONDO:0007648, OMIM 137215.

Allele frequency attached by ClinVar (database versions not stated): gnomAD exomes 0.00001.
gnomAD v4.1: 4 of 1,614,130 alleles (0.00025%); highest among the groups gnomAD compares: East Asian, 0.0089%; no homozygotes.

Submissions (4):

Myriad Genetics, Inc.
Classification: Benign for Hereditary diffuse gastric adenocarcinoma. Last evaluated: 2024-09-19. Review status: criteria provided, single submitter. Criteria: Myriad Autosomal Dominant, Autosomal Recessive and X-Linked Classification Criteria (2023). Collection method: clinical testing. Allele origin: unknown.
Comment: This variant is considered benign. This variant is a silent/synonymous amino acid change and it is not expected to impact splicing.

Labcorp Genetics (formerly Invitae), Labcorp
Classification: Likely benign for Hereditary diffuse gastric adenocarcinoma. Last evaluated: 2023-11-13. Review status: criteria provided, single submitter. Criteria: Invitae Variant Classification Sherloc (09022015). Collection method: clinical testing. Allele origin: germline.

Ambry Genetics
Classification: Likely benign for Hereditary cancer-predisposing syndrome. Last evaluated: 2022-11-10. Review status: criteria provided, single submitter. Criteria: Ambry Variant Classification Scheme 2023. Collection method: clinical testing. Allele origin: germline.

GeneDx
Classification: Likely benign. Last evaluated: 2018-03-23. Review status: criteria provided, single submitter. Criteria: GeneDx Variant Classification (06012015). Collection method: clinical testing. Allele origin: germline. Affected: yes.
Comment: This variant is considered likely benign or benign based on one or more of the following criteria: it is a conservative change, it occurs at a poorly conserved position in the protein, it is predicted to be benign by multiple in silico algorithms, and/or has population frequency not consistent with disease.